The following is an entry in ClinVar:

NM_001177316.2(SLC34A3):c.560+27T>G

Gene: SLC34A3 (solute carrier family 34 member 3; plus strand). Cytogenetic location: 9q34.3.
Variant type: single nucleotide variant.
Coding change: c.560+27T>G on transcript NM_001177316.2 (MANE Select); 27 bases into the intron after coding-DNA position 560, T replaced by G.
Molecular consequence: intron variant.
Genome position (GRCh38, 1-based): chr9:137,233,142, T>G. VCF-style: chr9-137233142-T-G. GRCh37 (hg19) VCF-style: chr9-140127594-T-G.
Other names: c.560+27T>G (NM_001177317.2, NM_080877.3).
Identifiers: ClinVar variation 4979822 (VCV004979822.1).

ClinVar aggregate classification (germline): Likely benign (1 of 4 stars; one submission).

Conditions:
SLC34A3-related disorder. Also called: SLC34A3-related condition.

Submission:

PreventionGenetics, part of Exact Sciences
Classification: Likely benign for SLC34A3-related condition. Last evaluated: 2024-10-09. Review status: criteria provided, single submitter. Criteria: ACMG Guidelines, 2015. Collection method: clinical testing. Allele origin: germline.
Comment: This variant is classified as likely benign based on ACMG/AMP sequence variant interpretation guidelines (Richards et al. 2015 PMID: 25741868, with internal and published modifications).